The following is an entry in ClinVar:

ClinVar aggregate classification (germline): Uncertain significance (1 of 4 stars; one submission).

Conditions:
Deficiency of adenosine deaminase 2. Also called: Polyarteritis nodosa, childhoood-onset; Adenosine Deaminase 2 Deficiency; VASCULITIS, AUTOINFLAMMATION, IMMUNODEFICIENCY, AND HEMATOLOGIC DEFECTS SYNDROME. Identifiers: Orphanet 404553, MedGen C3887654, MONDO:0014306, OMIM 615688, MONDO:0100317.

gnomAD v4.1: 5 of 1,614,168 alleles (0.00031%); highest among the groups gnomAD compares: Non-Finnish European, 0.00042%; no homozygotes.

Submission:

Labcorp Genetics (formerly Invitae), Labcorp
Classification: Uncertain significance for Deficiency of adenosine deaminase 2. Last evaluated: 2022-02-04. Review status: criteria provided, single submitter. Criteria: Invitae Variant Classification Sherloc (09022015). Collection method: clinical testing. Allele origin: germline.
Comment: This sequence change replaces cysteine, which is neutral and slightly polar, with serine, which is neutral and polar, at codon 137 of the ADA2 protein (p.Cys137Ser). This variant is not present in population databases (gnomAD no frequency). This variant has not been reported in the literature in individuals affected with ADA2-related conditions. Algorithms developed to predict the effect of missense changes on protein structure and function are either unavailable or do not agree on the potential impact of this missense change (SIFT: "Deleterious"; PolyPhen-2: "Possibly Damaging"; Align-GVGD: "Class C0"). In summary, the available evidence is currently insufficient to determine the role of this variant in disease. Therefore, it has been classified as a Variant of Uncertain Significance.

NM_001282225.2(ADA2):c.410G>C (p.Cys137Ser)

Gene: ADA2 (adenosine deaminase 2; minus strand). Cytogenetic location: 22q11.1.
Variant type: single nucleotide variant.
Coding change: c.410G>C on transcript NM_001282225.2 (MANE Select); coding-DNA position 410, G replaced by C.
Protein change: p.Cys137Ser; replaces cysteine 137 with serine.
Molecular consequence: missense variant.
Genome position (GRCh38, 1-based): chr22:17,207,203, C>G on the plus strand (G>C on the coding strand, the complement: ADA2 is on the minus strand). VCF-style: chr22-17207203-C-G. GRCh37 (hg19) VCF-style: chr22-17688093-C-G.
Other names: c.410G>C, p.Cys137Ser (NM_001282226.2); c.284G>C, p.Cys95Ser (NM_001282227.2, NM_001282228.2); c.50G>C, p.Cys17Ser (NM_001282229.2); short protein forms C137S, C17S, C95S.
Identifiers: ClinVar variation 1523772 (VCV001523772.8), dbSNP rs1019680311, ClinGen allele CA410229764.